The following is an entry in ClinVar:

NM_015338.6(ASXL1):c.3907A>C (p.Lys1303Gln)

Gene: ASXL1 (ASXL transcriptional regulator 1; plus strand). Cytogenetic location: 20q11.21.
Variant type: single nucleotide variant.
Coding change: c.3907A>C on transcript NM_015338.6 (MANE Select); coding-DNA position 3907, A replaced by C.
Protein change: p.Lys1303Gln; replaces lysine 1303 with glutamine.
Molecular consequence: missense variant.
Genome position (GRCh38, 1-based): chr20:32,436,619, A>C. VCF-style: chr20-32436619-A-C. GRCh37 (hg19) VCF-style: chr20-31024422-A-C.
Other names: c.3724A>C, p.Lys1242Gln (NM_001363734.1); short protein forms K1242Q, K1303Q.
Identifiers: ClinVar variation 3792284 (VCV003792284.1).
Genomic context (GRCh38, chr20:32,436,619, plus strand): 5'-GGTCCAGAGCAGACAGGTCGGGCCCTGGGTGATCAGAGCAATGTTACAGGCCAAGGGAAG[A>C]AGCTTTTTGGCTCTGGGAATGTGGCTGCAACCCTTCAGCGCCCCAGGCCTGCGGACCCGA-3'
Protein context (NP_056153.2, residues 1293-1313): DQSNVTGQGK[Lys1303Gln]LFGSGNVAAT

ClinVar aggregate classification (germline): Uncertain significance (1 of 4 stars; one submission).

Conditions:
Inborn genetic diseases. Identifiers: MedGen C0950123, MeSH D030342.

gnomAD v4.1: 2 of 1,614,148 alleles (0.00012%); highest among the groups gnomAD compares: Non-Finnish European, 0.00017%; no homozygotes.

Submission:

Ambry Genetics
Classification: Uncertain significance for Inborn genetic diseases. Last evaluated: 2025-01-14. Review status: criteria provided, single submitter. Criteria: Ambry Variant Classification Scheme 2023. Collection method: clinical testing. Allele origin: germline.
Comment: The p.K1303Q variant (also known as c.3907A>C), located in coding exon 13 of the ASXL1 gene, results from an A to C substitution at nucleotide position 3907. The lysine at codon 1303 is replaced by glutamine, an amino acid with similar properties. This amino acid position is conserved. In addition, this alteration is predicted to be tolerated by in silico analysis. Based on the available evidence, the clinical significance of this variant remains unclear.